The following is an entry in ClinVar:

NM_000053.4(ATP7B):c.3757C>T (p.Gln1253Ter)

Gene: ATP7B (ATPase copper transporting beta; minus strand). Cytogenetic location: 13q14.3.
Variant type: single nucleotide variant.
Coding change: c.3757C>T on transcript NM_000053.4 (MANE Select); coding-DNA position 3757, C replaced by T.
Protein change: p.Gln1253Ter; replaces glutamine 1253 with a stop codon.
Molecular consequence: nonsense.
Genome position (GRCh38, 1-based): chr13:51,937,622, G>A on the plus strand (C>T on the coding strand, the complement: ATP7B is on the minus strand). VCF-style: chr13-51937622-G-A. GRCh37 (hg19) VCF-style: chr13-52511758-G-A.
Other names: c.3136C>T, p.Gln1046Ter (NM_001005918.3); c.3424C>T, p.Gln1142Ter (NM_001243182.2); c.3523C>T, p.Gln1175Ter (NM_001330578.2, NM_001406527.1, NM_001406528.1); c.3505C>T, p.Gln1169Ter (NM_001330579.2, NM_001406531.1, NM_001406532.1); c.3757C>T, p.Gln1253Ter (NM_001406511.1, NM_001406512.1); c.3751C>T, p.Gln1251Ter (NM_001406513.1); c.3724C>T, p.Gln1242Ter (NM_001406514.1); c.3562C>T, p.Gln1188Ter (NM_001406525.1); and 20 more; short protein forms Q1026*, Q1037*, Q1046*, Q1059*, Q1089*, Q1091*, Q1104*, Q1110*.
Identifiers: ClinVar variation 1724985 (VCV001724985.4), dbSNP rs2547569054, ClinGen allele CA388022260.
Genomic context (GRCh38, chr13:51,937,622, plus strand): 5'-GGGAGTCATTGACCCCATCCCCCACCATGGCGACTTTCTTCCCTTTATTCTGGAGCTCCT[G>A]GACCTTGGCCACCTTGTGCGAAGGCAGCACCTCTGCAAAGACTTTGTTGATGCCAACCTA-3'

ClinVar aggregate classification (germline): Likely pathogenic. Review status: criteria provided, multiple submitters, no conflicts (2 of 4 stars). 2 submissions from 2 submitters: Likely pathogenic (2). Last evaluated 2021-11-26.

Conditions:
Wilson disease (WND). Also called: Wilson's disease. Identifiers: Orphanet 905, MedGen C0019202, MONDO:0010200, OMIM 277900. Disease mechanism: loss of function.

Allele frequency attached by ClinVar (database versions not stated): gnomAD exomes below 0.00001.
gnomAD v4.1: 2 of 1,614,266 alleles (0.00012%); highest among the groups gnomAD compares: Non-Finnish European, 0.00017%; no homozygotes.

Submissions (2):

Myriad Genetics, Inc.
Classification: Likely pathogenic for Wilson disease. Last evaluated: 2021-11-26. Review status: criteria provided, single submitter. Criteria: Myriad Women's Health Autosomal Recessive and X-Linked Classification Criteria (2021). Collection method: clinical testing. Allele origin: unknown.
Comment: NM_000053.3(ATP7B):c.3757C>T(Q1253*) is expected to be pathogenic in the context of Wilson disease. This variant is predicted to lead to an abnormal or absent protein product due to the creation of a premature termination codon in ATP7B, a gene where loss-of-function variants are known to be pathogenic. Please note: this variant was assessed in the context of healthy population screening.

Laboratory for Molecular Medicine, Mass General Brigham Personalized Medicine
Classification: Likely pathogenic for Wilson disease. Last evaluated: 2020-06-11. Review status: criteria provided, single submitter. Criteria: ACMG Guidelines, 2015. Collection method: clinical testing. Allele origin: germline.
Comment: The p.Gln1253X variant in ATP7B has not been previously reported in individuals with Wilson disease and was absent from large population studies. This nonsense variant leads to a premature termination codon at position 1253, which is predicted to lead to a truncated or absent protein. Loss of function of the ATP7B gene is an established disease mechanism in autosomal recessive Wilson disease. In summary, although additional studies are required to fully establish its clinical significance, this variant meets criteria to be classified as likely pathogenic for autosomal recessive Wilson disease. ACMG/AMP Criteria applied: PVS1, PM2.